The following is an entry in ClinVar:

NM_172107.4(KCNQ2):c.1301+5C>T

Gene: KCNQ2 (potassium voltage-gated channel subfamily Q member 2; minus strand). Cytogenetic location: 20q13.33.
Variant type: single nucleotide variant.
Coding change: c.1301+5C>T on transcript NM_172107.4 (MANE Select); 5 bases into the intron after coding-DNA position 1301, C replaced by T.
Molecular consequence: intron variant.
Genome position (GRCh38, 1-based): chr20:63,419,614, G>A on the plus strand (C>T on the coding strand, the complement: KCNQ2 is on the minus strand). VCF-style: chr20-63419614-G-A. GRCh37 (hg19) VCF-style: chr20-62050967-G-A.
Other names: c.1248-4524C>T (NM_172108.5); c.1248-4488C>T (NM_001439003.1, NM_172106.3, NM_001382235.1); c.1218-4488C>T (NM_001439004.1, NM_004518.6).
Identifiers: ClinVar variation 205904 (VCV000205904.15), dbSNP rs200872349, ClinGen allele CA315442.
Genomic context (GRCh38, chr20:63,419,614, plus strand): 5'-GTAAGCAGGGAGGGGCAGAGGAGCCGTGCAGCAGCCGTCAGTCCGTGCGGCGTGTTCCGC[G>A]GTACCTAGAGCGTCCGGGGCAGCATCCACACAGGGGCCCTCTGCACGGGCTGCCTTTACT-3'

ClinVar aggregate classification (germline): Conflicting classifications of pathogenicity. Review status: criteria provided, conflicting classifications (1 of 4 stars). 4 submissions from 4 submitters: Uncertain significance (2); Likely benign (2). Last evaluated 2025-06-04.

Conditions:
Early-infantile DEE. Also called: Early infantile epileptic encephalopathy; Ohtahara syndrome; Early infantile epileptic encephalopathy with suppression bursts. Identifiers: Orphanet 1934, MedGen C0393706, MONDO:0800491.

Allele frequency attached by ClinVar (database versions not stated): gnomAD 0.00004 and 0.00005; ExAC 0.00004; gnomAD exomes 0.00002 and 0.00005; 1000 Genomes Project 30x 0.00016; 1000 Genomes Project 0.00020; TOPMed 0.00005.
gnomAD v4.1: 38 of 1,609,060 alleles (0.0024%); highest among the groups gnomAD compares: East Asian, 0.022%; no homozygotes.

Submissions (4):

Labcorp Genetics (formerly Invitae), Labcorp
Classification: Uncertain significance for Early-infantile DEE. Last evaluated: 2025-06-04. Review status: criteria provided, single submitter. Criteria: Invitae Variant Classification Sherloc (09022015). Collection method: clinical testing. Allele origin: germline.
Comment: This sequence change falls in intron 12 of the KCNQ2 gene. It does not directly change the encoded amino acid sequence of the KCNQ2 protein. It affects a nucleotide within the consensus splice site. This variant is present in population databases (rs200872349, gnomAD 0.05%). This variant has not been reported in the literature in individuals affected with KCNQ2-related conditions. ClinVar contains an entry for this variant (Variation ID: 205904). Variants that disrupt the consensus splice site are a relatively common cause of aberrant splicing (PMID: 17576681, 9536098). Algorithms developed to predict the effect of sequence changes on RNA splicing suggest that this variant is not likely to affect RNA splicing. In summary, the available evidence is currently insufficient to determine the role of this variant in disease. Therefore, it has been classified as a Variant of Uncertain Significance.

Blueprint Genetics
Classification: Likely benign. Last evaluated: 2024-03-18. Review status: criteria provided, single submitter. Criteria: ACMG Guidelines, 2015. Collection method: clinical testing. Allele origin: germline.

Centre of Medical Genetics, University Hospital Muenster
Classification: Uncertain significance. Last evaluated: 2023-09-28. Review status: criteria provided, single submitter. Criteria: ACMG Guidelines, 2015. Collection method: clinical testing. Allele origin: unknown. Affected: yes. Observed: 1 variant allele, 1 heterozygote.
Comment: ACMG categories: -

GeneDx
Classification: Likely benign. Last evaluated: 2017-12-21. Review status: criteria provided, single submitter. Criteria: GeneDx Variant Classification (06012015). Collection method: clinical testing. Allele origin: germline. Affected: yes.
Comment: This variant is considered likely benign or benign based on one or more of the following criteria: it is a conservative change, it occurs at a poorly conserved position in the protein, it is predicted to be benign by multiple in silico algorithms, and/or has population frequency not consistent with disease.

Literature cited by the submitters: PubMed 17576681 (cited by Labcorp Genetics (formerly Invitae), Labcorp); PubMed 9536098 (cited by Labcorp Genetics (formerly Invitae), Labcorp).